The following is an entry in ClinVar:

ClinVar aggregate classification (germline): Uncertain significance (1 of 4 stars; one submission).

Submission:

GeneDx
Classification: Uncertain significance. Last evaluated: 2023-12-18. Review status: criteria provided, single submitter. Criteria: GeneDx Variant Classification Process June 2021. Collection method: clinical testing. Allele origin: germline. Affected: yes.
Comment: Not observed at significant frequency in large population cohorts (gnomAD); In silico analysis supports that this missense variant does not alter protein structure/function; Has not been previously published as pathogenic or benign to our knowledge

NM_015057.5(MYCBP2):c.2734A>G (p.Lys912Glu)

Gene: MYCBP2 (MYC binding protein 2; minus strand). Cytogenetic location: 13q22.3.
Variant type: single nucleotide variant.
Coding change: c.2734A>G on transcript NM_015057.5 (MANE Select); coding-DNA position 2734, A replaced by G.
Protein change: p.Lys912Glu; replaces lysine 912 with glutamic acid.
Molecular consequence: missense variant.
Genome position (GRCh38, 1-based): chr13:77,233,159, T>C on the plus strand (A>G on the coding strand, the complement: MYCBP2 is on the minus strand). VCF-style: chr13-77233159-T-C. GRCh37 (hg19) VCF-style: chr13-77807294-T-C.
Other names: short protein forms K912E.
Identifiers: ClinVar variation 3365684 (VCV003365684.1).
Genomic context (GRCh38, chr13:77,233,159, plus strand): 5'-AATGAGTGGAAGAAATTGGGAAAGTATCCCACCTAGGTGATAAGGAAGACCAAATACCTT[T>C]GTGCTTGTCCCGTTTATGCTTTAGCTGTGCTGGATGGGATCTGAGTCTGGCTAGAGCCTG-3'
Protein context (NP_055872.4, residues 902-922): AQLKHKRDKH[Lys912Glu]DGSGERGEKD